The following is an entry in ClinVar:

NM_007078.3(LDB3):c.322-1G>A

Gene: LDB3 (LIM domain binding 3; plus strand). Cytogenetic location: 10q23.2.
Variant type: single nucleotide variant.
Coding change: c.322-1G>A on transcript NM_007078.3 (MANE Select); the canonical splice acceptor site of the intron before coding-DNA position 322, G replaced by A.
Molecular consequence: splice acceptor variant. On other transcripts: intron variant (5).
Genome position (GRCh38, 1-based): chr10:86,681,435, G>A. VCF-style: chr10-86681435-G-A. GRCh37 (hg19) VCF-style: chr10-88441192-G-A.
Other names: c.322-1G>A (NM_001368064.1, NM_001368063.1, NM_001171610.2 and 3 more transcripts); c.321+1278G>A (NM_001368068.1, NM_001368066.1, NM_001080114.2 and 2 more transcripts).
Identifiers: ClinVar variation 201842 (VCV000201842.4), dbSNP rs794729059, ClinGen allele CA308608.

ClinVar aggregate classification (germline): Uncertain significance. Review status: criteria provided, multiple submitters, no conflicts (2 of 4 stars). 2 submissions from 2 submitters: Uncertain significance (2). Last evaluated 2024-03-13.

Conditions:
Myofibrillar myopathy 4. Also called: Zaspopathy (type). Identifiers: Orphanet 98912, MedGen C4721886, MONDO:0012277, OMIM 609452.

Submissions (2):

Labcorp Genetics (formerly Invitae), Labcorp
Classification: Uncertain significance for Myofibrillar myopathy 4. Last evaluated: 2024-03-13. Review status: criteria provided, single submitter. Criteria: Invitae Variant Classification Sherloc (09022015). Collection method: clinical testing. Allele origin: germline.
Comment: This sequence change falls in intron 3 of the LDB3 gene. It does not directly change the encoded amino acid sequence of the LDB3 protein. This variant is not present in population databases (gnomAD no frequency). This variant has not been reported in the literature in individuals affected with LDB3-related conditions. ClinVar contains an entry for this variant (Variation ID: 201842). Algorithms developed to predict the effect of sequence changes on RNA splicing suggest that this variant may create or strengthen a splice site. In summary, the available evidence is currently insufficient to determine the role of this variant in disease. Therefore, it has been classified as a Variant of Uncertain Significance.

GeneDx
Classification: Uncertain significance. Last evaluated: 2016-08-18. Review status: criteria provided, single submitter. Criteria: GeneDx Variant Classification (06012015). Collection method: clinical testing. Allele origin: germline. Affected: yes.
Comment: The c.322-1 G>A variant has not been reported as a disease-causing mutation or as a benign polymorphism to our knowledge. This variant destroys the canonical splice acceptor site in intron 3 and is predicted to cause abnormal gene splicing. However, no mutations associated with haploinsuffiency have been reported in the LDB3 gene in HGMD in association with cardiomyopathy (Stenson P et al., 2009). Therefore, based on the currently available information, it is unclear whether this variant is a pathogenic mutation or a rare benign variant.